The following is an entry in ClinVar:

NM_003289.4(TPM2):c.115-105A>G

Gene: TPM2 (tropomyosin 2; minus strand). Cytogenetic location: 9p13.3.
Variant type: single nucleotide variant.
Coding change: c.115-105A>G on transcript NM_003289.4 (MANE Select); 105 bases into the intron before coding-DNA position 115, A replaced by G.
Molecular consequence: intron variant.
Genome position (GRCh38, 1-based): chr9:35,689,376, T>C on the plus strand (A>G on the coding strand, the complement: TPM2 is on the minus strand). VCF-style: chr9-35689376-T-C. GRCh37 (hg19) VCF-style: chr9-35689373-T-C.
Other names: c.115-105A>G (NM_213674.1, NM_001301226.2, NM_001301227.2).
Identifiers: ClinVar variation 140484 (VCV000140484.3), dbSNP rs2145925, ClinGen allele CA232621.

ClinVar aggregate classification (germline): Benign. Review status: criteria provided, multiple submitters, no conflicts (2 of 4 stars). 3 submissions from 3 submitters: Benign (2). 1 of the submissions does not count toward it. Last evaluated 2018-06-14.

Allele frequency attached by ClinVar (database versions not stated): gnomAD exomes 0.44238; TOPMed 0.44947; gnomAD 0.44964 and 0.45166; 1000 Genomes Project 30x 0.47892; 1000 Genomes Project 0.48003.
gnomAD v4.1: 685,527 of 1,545,900 alleles (44%); highest among the groups gnomAD compares: East Asian, 63%; 153,369 homozygotes.

Submissions (3):

GeneDx
Classification: Benign. Last evaluated: 2018-06-14. Review status: criteria provided, single submitter. Criteria: GeneDx Variant Classification (06012015). Collection method: clinical testing. Allele origin: germline. Affected: yes.
Comment: This variant is considered likely benign or benign based on one or more of the following criteria: it is a conservative change, it occurs at a poorly conserved position in the protein, it is predicted to be benign by multiple in silico algorithms, and/or has population frequency not consistent with disease.

Breakthrough Genomics
Classification: Benign. Review status: criteria provided, single submitter. Criteria: ACMG Guidelines, 2015. Collection method: not provided. Allele origin: germline. Inheritance: Autosomal dominant inheritance. Affected: yes.

TPM2 homepage - Leiden Muscular Dystrophy pages
No classification provided. Review status: no classification provided. Collection method: not provided. Allele origin: germline. Not counted in ClinVar's aggregate classification.